The following is an entry in ClinVar:

NM_001039348.3(EFEMP1):c.518-11G>A

Gene: EFEMP1 (EGF-like fibulin extracellular matrix protein 1; minus strand). Cytogenetic location: 2p16.1.
Variant type: single nucleotide variant.
Coding change: c.518-11G>A on transcript NM_001039348.3 (MANE Select); 11 bases into the intron before coding-DNA position 518, G replaced by A.
Molecular consequence: intron variant.
Genome position (GRCh38, 1-based): chr2:55,881,745, C>T on the plus strand (G>A on the coding strand, the complement: EFEMP1 is on the minus strand). VCF-style: chr2-55881745-C-T. GRCh37 (hg19) VCF-style: chr2-56108880-C-T.
Other names: c.518-11G>A (NM_001039349.3).
Identifiers: ClinVar variation 336628 (VCV000336628.14), dbSNP rs73940333, ClinGen allele CA1668911.
Genomic context (GRCh38, chr2:55,881,745, plus strand): 5'-CACTTGGTCTGCTCTACAGTTGTGCGTCCCTGCAGTGCACTCGTCTATGTCTGTCAGAGA[C>T]ATGCAACACAGAAAGAATTGTCAGTTGTGAAGATGTTGATATTTCCTCCATTTTGCCACT-3'

ClinVar aggregate classification (germline): Benign. Review status: criteria provided, multiple submitters, no conflicts (2 of 4 stars). 3 submissions from 3 submitters: Benign (3). Last evaluated 2026-02-01.

Conditions:
Doyne honeycomb retinal dystrophy (DHRD). Also called: DOYNE HONEYCOMB DEGENERATION OF RETINA; MALATTIA LEVENTINESE; DRUSEN, RADIAL, AUTOSOMAL DOMINANT. Identifiers: Orphanet 75376, MedGen C1832174, MONDO:0007471, OMIM 126600.

Allele frequency attached by ClinVar (database versions not stated): gnomAD exomes 0.00112 and 0.00288; ExAC 0.00348; ESP Exome Variant Server 0.00815; gnomAD 0.01050 and 0.01129; TOPMed 0.01167; 1000 Genomes Project 0.01238; 1000 Genomes Project 30x 0.01312.
gnomAD v4.1: 3,303 of 1,613,902 alleles (0.2%); highest among the groups gnomAD compares: African/African-American, 3.6%; 57 homozygotes.

Submissions (3):

Labcorp Genetics (formerly Invitae), Labcorp
Classification: Benign. Last evaluated: 2026-02-01. Review status: criteria provided, single submitter. Criteria: Invitae Variant Classification Sherloc (09022015). Collection method: clinical testing. Allele origin: germline.

Illumina Laboratory Services, Illumina
Classification: Benign for Doyne honeycomb retinal dystrophy. Last evaluated: 2018-01-13. Review status: criteria provided, single submitter. Criteria: ICSL Variant Classification Criteria 13 December 2019. Collection method: clinical testing. Allele origin: germline.
Comment: This variant was observed in the ICSL laboratory as part of a predisposition screen in an ostensibly healthy population. It had not been previously curated by ICSL or reported in the Human Gene Mutation Database (HGMD: prior to June 1st, 2018), and was therefore a candidate for classification through an automated scoring system. Utilizing variant allele frequency, disease prevalence and penetrance estimates, and inheritance mode, an automated score was calculated to assess if this variant is too frequent to cause the disease. Based on the score and internal cut-off values, a variant classified as benign is not then subjected to further curation. The score for this variant resulted in a classification of benign for this disease.

Breakthrough Genomics
Classification: Benign. Review status: criteria provided, single submitter. Criteria: ACMG Guidelines, 2015. Collection method: not provided. Allele origin: germline. Inheritance: Autosomal dominant inheritance. Affected: yes.